The following is an entry in ClinVar:

ClinVar aggregate classification (germline): Conflicting classifications of pathogenicity. Review status: criteria provided, conflicting classifications (1 of 4 stars). 3 submissions from 3 submitters: Pathogenic (1); Likely pathogenic (1); Uncertain significance (1). Last evaluated 2021-09-01.

Conditions:
CLOVES syndrome. Also called: Congenital lipomatous overgrowth, vascular malformations, and epidermal nevi; CONGENITAL LIPOMATOUS OVERGROWTH, VASCULAR MALFORMATIONS, AND EPIDERMAL NEVI, SOMATIC; Congenital Lipomatous Overgrowth, Vascular Malformations, Epidermal Nevi, Scoliosis/Skeletal and Spinal (CLOVES) Syndrome; CLOVE SYNDROME; CONGENITAL LIPOMATOUS OVERGROWTH, VASCULAR MALFORMATIONS, EPIDERMAL NEVI, AND SKELETAL/SPINAL ABNORMALITIES; CLOVES. Identifiers: Orphanet 140944, MedGen C2752042, MONDO:0013038, OMIM 612918. Disease mechanism: gain of function.
PIK3CA related overgrowth syndrome. Also called: PIK3CA related overgrowth spectrum; PIK3CA-Related Segmental Overgrowth. Identifiers: Orphanet 530313, MedGen C4728213, MONDO:1040002.
Cowden syndrome (CS). Also called: Cowden's disease; Cowden's syndrome; Cowden disease. Identifiers: Orphanet 201, MedGen C0018553, MONDO:0016063. Disease mechanism: gain of function.

Submissions (3):

Labcorp Genetics (formerly Invitae), Labcorp
Classification: Uncertain significance for Cowden syndrome. Last evaluated: 2021-09-01. Review status: criteria provided, single submitter. Criteria: Invitae Variant Classification Sherloc (09022015). Collection method: clinical testing. Allele origin: germline.

Equipe Genetique des Anomalies du Developpement, Université de Bourgogne
Classification: Pathogenic for CLOVES syndrome. Review status: criteria provided, single submitter. Criteria: ACMG Guidelines, 2015. Collection method: clinical testing. Allele origin: somatic. Affected: yes.

Seattle Children's Hospital Molecular Genetics Laboratory, Seattle Children's Hospital
Classification: Likely pathogenic for PIK3CA-related overgrowth syndrome. Review status: criteria provided, single submitter. Criteria: ACMG Guidelines, 2015. Collection method: clinical testing. Allele origin: somatic. Affected: yes.
Comment: This variant has previously been reported in multiple unrelated individuals with PIK3CA-related overgrowth spectrum disorder (PMID: 27631024, PMID: 3762442). The p.Gly106Val variant substitutes the glycine at position 106 with valine within the P85 binding domain of the PIK3CA protein (UniProt P42336). This is an activating variant that results in ligand-independent activation of the PI3K-AKT-mTOR pathway and increased proliferation in vitro (PMID: 26627007).

NM_006218.4(PIK3CA):c.317G>T (p.Gly106Val)

Gene: PIK3CA (phosphatidylinositol-4,5-bisphosphate 3-kinase catalytic subunit alpha; plus strand). Cytogenetic location: 3q26.32.
Variant type: single nucleotide variant.
Coding change: c.317G>T on transcript NM_006218.4 (MANE Select); coding-DNA position 317, G replaced by T.
Protein change: p.Gly106Val; replaces glycine 106 with valine.
Molecular consequence: missense variant.
Genome position (GRCh38, 1-based): chr3:179,199,142, G>T. VCF-style: chr3-179199142-G-T. GRCh37 (hg19) VCF-style: chr3-178916930-G-T.
Other names: c.317G>T (LRG_310t1, NM_006218.3); short protein forms G106V.
Identifiers: ClinVar variation 376479 (VCV000376479.6), dbSNP rs1057519930, ClinGen allele CA16602913.